The following is an entry in ClinVar:

NM_199420.4(POLQ):c.7237A>G (p.Ile2413Val)

Gene: POLQ (DNA polymerase theta; minus strand). Cytogenetic location: 3q13.33.
Variant type: single nucleotide variant.
Coding change: c.7237A>G on transcript NM_199420.4 (MANE Select); coding-DNA position 7237, A replaced by G.
Protein change: p.Ile2413Val; replaces isoleucine 2413 with valine.
Molecular consequence: missense variant.
Genome position (GRCh38, 1-based): chr3:121,449,342, T>C on the plus strand (A>G on the coding strand, the complement: POLQ is on the minus strand). VCF-style: chr3-121449342-T-C. GRCh37 (hg19) VCF-style: chr3-121168189-T-C.
Other names: short protein forms I2413V.
Identifiers: ClinVar variation 1757835 (VCV001757835.2), dbSNP rs757316650, ClinGen allele CA2562239.

ClinVar aggregate classification (germline): Uncertain significance (1 of 4 stars; one submission).

gnomAD v4.1: 1 of 1,578,110 alleles (0.000063%); highest among the groups gnomAD compares: Non-Finnish European, 0.000087%; no homozygotes.

Submission:

Ambry Genetics
Classification: Uncertain significance. Last evaluated: 2022-06-21. Review status: criteria provided, single submitter. Criteria: Ambry Variant Classification Scheme 2023. Collection method: clinical testing. Allele origin: germline.
Comment: The p.I2413V variant (also known as c.7237A>G), located in coding exon 26 of the POLQ gene, results from an A to G substitution at nucleotide position 7237. The isoleucine at codon 2413 is replaced by valine, an amino acid with highly similar properties. This amino acid position is conserved. In addition, the in silico prediction for this alteration is inconclusive. Since supporting evidence is limited at this time, the clinical significance of this alteration remains unclear.